The following is an entry in ClinVar:

NM_006031.6(PCNT):c.8956G>A (p.Ala2986Thr)

Gene: PCNT (pericentrin; plus strand). Cytogenetic location: 21q22.3.
Variant type: single nucleotide variant.
Coding change: c.8956G>A on transcript NM_006031.6 (MANE Select); coding-DNA position 8956, G replaced by A.
Protein change: p.Ala2986Thr; replaces alanine 2986 with threonine.
Molecular consequence: missense variant.
Genome position (GRCh38, 1-based): chr21:46,436,108, G>A. VCF-style: chr21-46436108-G-A. GRCh37 (hg19) VCF-style: chr21-47856021-G-A.
Other names: c.8365G>A, p.Ala2789Thr (NM_001315529.2); short protein forms A2986T, A2789T.
Identifiers: ClinVar variation 436229 (VCV000436229.16), dbSNP rs201877661, ClinGen allele CA10081133.

ClinVar aggregate classification (germline): Uncertain significance. Review status: criteria provided, multiple submitters, no conflicts (2 of 4 stars). 4 submissions from 4 submitters: Uncertain significance (3). 1 of the submissions does not count toward it. Last evaluated 2021-11-16.

Conditions:
Microcephalic osteodysplastic primordial dwarfism type II (MOPD2). Also called: Microcephalic osteodysplastic primordial dwarfism with tooth abnormalities; MOPD II; OSTEODYSPLASTIC PRIMORDIAL DWARFISM, TYPE II. Identifiers: Orphanet 2637, MedGen C0432246, MONDO:0008872, OMIM 210720.
PCNT-related disorder. Also called: PCNT-related condition.

Allele frequency attached by ClinVar (database versions not stated): ESP Exome Variant Server 0.00008; TOPMed 0.00008; 1000 Genomes Project 30x 0.00047.
gnomAD v4.1: 112 of 1,610,460 alleles (0.007%); highest among the groups gnomAD compares: Admixed American, 0.048%; no homozygotes.

Submissions (4):

Labcorp Genetics (formerly Invitae), Labcorp
Classification: Uncertain significance. Last evaluated: 2021-11-16. Review status: criteria provided, single submitter. Criteria: Invitae Variant Classification Sherloc (09022015). Collection method: clinical testing. Allele origin: germline.
Comment: This sequence change replaces alanine, which is neutral and non-polar, with threonine, which is neutral and polar, at codon 2986 of the PCNT protein (p.Ala2986Thr). This variant is present in population databases (rs201877661, gnomAD 0.06%). This variant has not been reported in the literature in individuals affected with PCNT-related conditions. ClinVar contains an entry for this variant (Variation ID: 436229). Algorithms developed to predict the effect of missense changes on protein structure and function output the following: SIFT: "Tolerated"; PolyPhen-2: "Benign"; Align-GVGD: "Class C0". The threonine amino acid residue is found in multiple mammalian species, which suggests that this missense change does not adversely affect protein function. In summary, the available evidence is currently insufficient to determine the role of this variant in disease. Therefore, it has been classified as a Variant of Uncertain Significance.

ARUP Laboratories, Molecular Genetics and Genomics, ARUP Laboratories
Classification: Uncertain significance for Microcephalic osteodysplastic primordial dwarfism type II. Last evaluated: 2020-02-16. Review status: criteria provided, single submitter. Criteria: ARUP Molecular Germline Variant Investigation Process. Collection method: clinical testing. Allele origin: germline.
Comment: The PCNT c.8956G>A; p.Ala2986Thr variant (rs201877661), to our knowledge, is not reported in the medical literature but is reported in ClinVar (Variation ID: 436229). This variant is found in the Latino population with an overall allele frequency of 0.06% (21/34318 alleles) in the Genome Aggregation Database. The alanine at codon 2986 is moderately conserved, and computational analyses (SIFT, PolyPhen-2) predict that this variant is tolerated. Furthermore, only truncating variants in PCNT have been associated with disease (Rauch 2008, Willems 2010). Based on available information, this variant is considered to be likely benign. References: Rauch A et al. Mutations in the pericentrin (PCNT) gene cause primordial dwarfism. Science. 2008 Feb 8;319(5864):816-9. Willems M et al. Molecular analysis of pericentrin gene (PCNT) in a series of 24 Seckel/microcephalic osteodysplastic primordial dwarfism type II (MOPD II) families. J Med Genet. 2010 Dec;47(12):797-802.

Genetic Services Laboratory, University of Chicago
Classification: Uncertain significance. Last evaluated: 2016-03-25. Review status: criteria provided, single submitter. Criteria: ACMG Guidelines, 2015. Collection method: clinical testing. Allele origin: germline. Affected: no.

PreventionGenetics, part of Exact Sciences
Classification: Uncertain significance for PCNT-related condition. Last evaluated: 2024-07-05. Review status: no assertion criteria provided. Collection method: clinical testing. Allele origin: germline. Not counted in ClinVar's aggregate classification.
Comment: The PCNT c.8956G>A variant is predicted to result in the amino acid substitution p.Ala2986Thr. To our knowledge, this variant has not been reported in the literature. This variant is reported in 0.061% of alleles in individuals of Latino descent in gnomAD, which may be too common to be an unreported cause of disease. Although we suspect that this variant may possibly be benign, at this time its clinical significance is uncertain due to the absence of conclusive functional and genetic evidence.